The following is an entry in ClinVar:

NM_002661.5(PLCG2):c.2015G>A (p.Arg672Gln)

Gene: PLCG2 (phospholipase C gamma 2; plus strand). Cytogenetic location: 16q23.3.
Variant type: single nucleotide variant.
Coding change: c.2015G>A on transcript NM_002661.5 (MANE Select); coding-DNA position 2015, G replaced by A.
Protein change: p.Arg672Gln; replaces arginine 672 with glutamine.
Molecular consequence: missense variant.
Genome position (GRCh38, 1-based): chr16:81,912,677, G>A. VCF-style: chr16-81912677-G-A. GRCh37 (hg19) VCF-style: chr16-81946282-G-A.
Other names: c.2015G>A, p.Arg672Gln (NM_001425749.1, NM_001425750.1, NM_001425751.1); short protein forms R672Q.
Identifiers: ClinVar variation 2714485 (VCV002714485.3), dbSNP rs1468421212, ClinGen allele CA396901446.

ClinVar aggregate classification (germline): Uncertain significance (1 of 4 stars; one submission).

Conditions:
Familial cold autoinflammatory syndrome 3 (FCAS3). Also called: FAMILIAL ATYPICAL COLD URTICARIA; ANTIBODY DEFICIENCY AND IMMUNE DYSREGULATION, PLCG2-ASSOCIATED. Identifiers: Orphanet 300359, MedGen C3280914, MONDO:0013766, OMIM 614468.

Submission:

Labcorp Genetics (formerly Invitae), Labcorp
Classification: Uncertain significance for Familial cold autoinflammatory syndrome 3. Last evaluated: 2023-06-14. Review status: criteria provided, single submitter. Criteria: Invitae Variant Classification Sherloc (09022015). Collection method: clinical testing. Allele origin: germline.
Comment: An algorithm developed to predict the effect of missense changes on protein structure and function (PolyPhen-2) suggests that this variant is likely to be tolerated. In summary, the available evidence is currently insufficient to determine the role of this variant in disease. Therefore, it has been classified as a Variant of Uncertain Significance. This variant has not been reported in the literature in individuals affected with PLCG2-related conditions. This sequence change replaces arginine, which is basic and polar, with glutamine, which is neutral and polar, at codon 672 of the PLCG2 protein (p.Arg672Gln). This variant is not present in population databases (gnomAD no frequency).